The following is an entry in ClinVar:

ClinVar aggregate classification (germline): Pathogenic. Review status: criteria provided, multiple submitters, no conflicts (2 of 4 stars). 4 submissions from 4 submitters: Pathogenic (4). Last evaluated 2024-12-31.

Conditions:
Hereditary cancer-predisposing syndrome. Also called: Hereditary Cancer Syndrome; Tumor predisposition; Hereditary neoplastic syndrome; Neoplastic Syndromes, Hereditary. Identifiers: Orphanet 140162, MedGen C0027672, MeSH D009386, MONDO:0015356.
Multiple endocrine neoplasia, type 1 (MEN1). Also called: MEA I; MEN I; WERMER SYNDROME; Endocrine adenomatosis multiple; MEN 1. Identifiers: Orphanet 652, MedGen C0025267, MeSH D018761, MONDO:0007540, OMIM 131100.

Submissions (4):

Labcorp Genetics (formerly Invitae), Labcorp
Classification: Pathogenic for Multiple endocrine neoplasia, type 1. Last evaluated: 2024-12-31. Review status: criteria provided, single submitter. Criteria: Invitae Variant Classification Sherloc (09022015). Collection method: clinical testing. Allele origin: germline.
Comment: This sequence change creates a premature translational stop signal (p.Trp183*) in the MEN1 gene. It is expected to result in an absent or disrupted protein product. Loss-of-function variants in MEN1 are known to be pathogenic (PMID: 12112656, 17853334). This variant is not present in population databases (gnomAD no frequency). This premature translational stop signal has been observed in individual(s) with multiple endocrine neoplasia type 1 (PMID: 9671267). ClinVar contains an entry for this variant (Variation ID: 201009). RNA analysis performed to evaluate the impact of this premature translational stop signal on mRNA splicing indicates it does not significantly alter splicing (internal data). For these reasons, this variant has been classified as Pathogenic.

Laboratory of Molecular and Cytogenetics, Department of Anatomy, All India Institute of Medical Sciences (AIIMS)
Classification: Pathogenic for Multiple endocrine neoplasia, type 1. Last evaluated: 2023-04-10. Review status: criteria provided, single submitter. Criteria: ACMG Guidelines, 2015. Collection method: clinical testing. Allele origin: germline. Affected: yes. Observed: 1 variant allele.

Ambry Genetics
Classification: Pathogenic for Hereditary cancer-predisposing syndrome. Last evaluated: 2022-12-01. Review status: criteria provided, single submitter. Criteria: Ambry Variant Classification Scheme 2023. Collection method: clinical testing. Allele origin: germline.
Comment: The p.W183* pathogenic mutation (also known as c.548G>A), located in coding exon 2 of the MEN1 gene, results from a G to A substitution at nucleotide position 548. This changes the amino acid from a tryptophan to a stop codon within coding exon 2. This alteration has been observed in multiple individuals with a personal and/or family history that is consistent with MEN1-related disease (Ambry internal data; Lemmens I et al. Hum Mol Genet, 1997 Jul;6:1177-83; Costa MH et al. Clinics (Sao Paulo), 2011;66:529-33). This variant is considered to be rare based on population cohorts in the Genome Aggregation Database (gnomAD). In addition to the clinical data presented in the literature, this alteration is expected to result in loss of function by premature protein truncation or nonsense-mediated mRNA decay. As such, this alteration is interpreted as a disease-causing mutation.

Center for Human Genetics, Inc
Classification: Pathogenic for Multiple endocrine neoplasia, type 1. Last evaluated: 2016-11-01. Review status: criteria provided, single submitter. Criteria: ACMG Guidelines, 2015. Collection method: clinical testing. Allele origin: germline. Affected: yes.

Literature cited by the submitters: PubMed 12112656 (cited by Labcorp Genetics (formerly Invitae), Labcorp); PubMed 17853334 (cited by Labcorp Genetics (formerly Invitae), Labcorp); PubMed 9671267 (cited by Labcorp Genetics (formerly Invitae), Labcorp); PubMed 21655742 (cited by Ambry Genetics); PubMed 9215690 (cited by Ambry Genetics).

NM_001370259.2(MEN1):c.548G>A (p.Trp183Ter)

Gene: MEN1 (menin 1; minus strand). Cytogenetic location: 11q13.1.
Variant type: single nucleotide variant.
Coding change: c.548G>A on transcript NM_001370259.2 (MANE Select); coding-DNA position 548, G replaced by A.
Protein change: p.Trp183Ter; replaces tryptophan 183 with a stop codon.
Molecular consequence: nonsense.
Genome position (GRCh38, 1-based): chr11:64,807,997, C>T on the plus strand (G>A on the coding strand, the complement: MEN1 is on the minus strand). VCF-style: chr11-64807997-C-T. GRCh37 (hg19) VCF-style: chr11-64575469-C-T.
Other names: c.563G>A, p.Trp188Ter (NM_130801.3, NM_130802.3, NM_130803.3 and 3 more transcripts); c.548G>A, p.Trp183Ter (NM_001370251.2, NM_001370260.2, NM_001370261.2 and 3 more transcripts); short protein forms W183*, W188*.
Identifiers: ClinVar variation 201009 (VCV000201009.14), dbSNP rs794728650, ClinGen allele CA009485.